The following is an entry in ClinVar:

ClinVar aggregate classification (germline): Uncertain significance (1 of 4 stars; one submission).

Conditions:
Dyskeratosis congenita, autosomal dominant 2. Identifiers: MedGen C3151443, MONDO:0013521, OMIM 613989.
Idiopathic Pulmonary Fibrosis. Also called: Idiopathic fibrosing alveolitis, chronic form; idiopathic fibrosing alveolitis. Identifiers: Orphanet 2032, MedGen C1800706, MeSH D054990, MONDO:0800504.

Submission:

Labcorp Genetics (formerly Invitae), Labcorp
Classification: Uncertain significance for Dyskeratosis congenita, autosomal dominant 2; Idiopathic Pulmonary Fibrosis. Last evaluated: 2020-05-04. Review status: criteria provided, single submitter. Criteria: Invitae Variant Classification Sherloc (09022015). Collection method: clinical testing. Allele origin: germline.
Comment: This sequence change replaces alanine with valine at codon 52 of the TERT protein (p.Ala52Val). The alanine residue is moderately conserved and there is a small physicochemical difference between alanine and valine. In summary, the available evidence is currently insufficient to determine the role of this variant in disease. Therefore, it has been classified as a Variant of Uncertain Significance. Algorithms developed to predict the effect of missense changes on protein structure and function (SIFT, PolyPhen-2, Align-GVGD) all suggest that this variant is likely to be tolerated, but these predictions have not been confirmed by published functional studies and their clinical significance is uncertain. This variant has not been reported in the literature in individuals with TERT-related conditions. The frequency data for this variant in the population databases is considered unreliable, as metrics indicate insufficient coverage at this position in the ExAC database.

NM_198253.3(TERT):c.155C>T (p.Ala52Val)

Genes: TERT (telomerase reverse transcriptase; minus strand), LOC110806263 (TERT 5' regulatory region; plus strand). Cytogenetic location: 5p15.33.
Variant type: single nucleotide variant.
Coding change: c.155C>T on transcript NM_198253.3 (MANE Select); coding-DNA position 155, C replaced by T.
Protein change: p.Ala52Val; replaces alanine 52 with valine.
Molecular consequence: missense variant. On other transcripts: non-coding transcript variant (2).
Genome position (GRCh38, 1-based): chr5:1,294,835, G>A on the plus strand (C>T on the coding strand, the complement: TERT is on the minus strand). VCF-style: chr5-1294835-G-A. GRCh37 (hg19) VCF-style: chr5-1294950-G-A.
Other names: c.155C>T, p.Ala52Val (NM_001193376.3); short protein forms A52V.
Identifiers: ClinVar variation 1011874 (VCV001011874.9), dbSNP rs1751289980, ClinGen allele CA359059017.
Genomic context (GRCh38, chr5:1,294,835, plus strand): 5'-CGGAAGGAGGGGGCGGCGGGGGGCGGCCGTGCGTCCCAGGGCACGCACACCAGGCACTGG[G>A]CCACCAGCGCGCGGAAAGCCGCCGGGTCCCCGCGCTGCACCAGCCGCCAGCCCTGGGGCC-3'
Protein context (NP_937983.2, residues 42-62): GDPAAFRALV[Ala52Val]QCLVCVPWDA